The following is an entry in ClinVar:

NM_001369.3(DNAH5):c.4146C>A (p.Tyr1382Ter)

Genes: DNAH5 (dynein axonemal heavy chain 5; minus strand), DNAH5-AS1 (DNAH5 antisense RNA 1; plus strand). Cytogenetic location: 5p15.2.
Variant type: single nucleotide variant.
Coding change: c.4146C>A on transcript NM_001369.3 (MANE Select); coding-DNA position 4146, C replaced by A.
Protein change: p.Tyr1382Ter; replaces tyrosine 1382 with a stop codon.
Molecular consequence: nonsense.
Genome position (GRCh38, 1-based): chr5:13,865,877, G>T on the plus strand (C>A on the coding strand, the complement: DNAH5 is on the minus strand). VCF-style: chr5-13865877-G-T. GRCh37 (hg19) VCF-style: chr5-13865986-G-T.
Other names: short protein forms Y1382*.
Identifiers: ClinVar variation 3651174 (VCV003651174.2).
Genomic context (GRCh38, chr5:13,865,877, plus strand): 5'-AAGCTGAGGATACTGTGTAGCTGGCAGGCCAAAAAGCTCCTCTCCTCCAGTATATGTGAT[G>T]TATTTCCGATAGATATTATCAAATTGATTCTAATAAAAACACAAGTGAAAACGCATCAAA-3'

ClinVar aggregate classification (germline): Pathogenic (1 of 4 stars; one submission).

Conditions:
Primary ciliary dyskinesia. Also called: Ciliary dyskinesia. Identifiers: Orphanet 244, MedGen C0008780, MONDO:0016575, HP:0012265.

Submission:

Labcorp Genetics (formerly Invitae), Labcorp
Classification: Pathogenic for Primary ciliary dyskinesia. Last evaluated: 2024-04-25. Review status: criteria provided, single submitter. Criteria: Invitae Variant Classification Sherloc (09022015). Collection method: clinical testing. Allele origin: germline.
Comment: This sequence change creates a premature translational stop signal (p.Tyr1382*) in the DNAH5 gene. It is expected to result in an absent or disrupted protein product. Loss-of-function variants in DNAH5 are known to be pathogenic (PMID: 11788826, 16627867). This variant is not present in population databases (gnomAD no frequency). This variant has not been reported in the literature in individuals affected with DNAH5-related conditions. For these reasons, this variant has been classified as Pathogenic.

Literature cited by the submitters: PubMed 11788826; PubMed 16627867.